The following is an entry in ClinVar:

NM_000066.4(C8B):c.515T>C (p.Ile172Thr)

Gene: C8B (complement C8 beta chain; minus strand). Cytogenetic location: 1p32.2.
Variant type: single nucleotide variant.
Coding change: c.515T>C on transcript NM_000066.4 (MANE Select); coding-DNA position 515, T replaced by C.
Protein change: p.Ile172Thr; replaces isoleucine 172 with threonine.
Molecular consequence: missense variant.
Genome position (GRCh38, 1-based): chr1:56,954,704, A>G on the plus strand (T>C on the coding strand, the complement: C8B is on the minus strand). VCF-style: chr1-56954704-A-G. GRCh37 (hg19) VCF-style: chr1-57420377-A-G.
Other names: c.359T>C, p.Ile120Thr (NM_001278543.2); c.329T>C, p.Ile110Thr (NM_001278544.2); c.515T>C (NM_000066.2); short protein forms I110T, I172T, I120T.
Identifiers: ClinVar variation 1478730 (VCV001478730.4), dbSNP rs200647490, ClinGen allele CA875962.

ClinVar aggregate classification (germline): Uncertain significance. Review status: criteria provided, multiple submitters, no conflicts (2 of 4 stars). 2 submissions from 2 submitters: Uncertain significance (2). Last evaluated 2023-07-12.

Conditions:
Inborn genetic diseases. Identifiers: MedGen C0950123, MeSH D030342.

Allele frequency attached by ClinVar (database versions not stated): gnomAD 0.00001 and 0.00002; TOPMed 0.00001; gnomAD exomes 0.00002 and 0.00004; ExAC 0.00004; 1000 Genomes Project 0.00020; 1000 Genomes Project 30x 0.00031.
gnomAD v4.1: 27 of 1,614,128 alleles (0.0017%); highest among the groups gnomAD compares: South Asian, 0.016%; 1 homozygote.

Submissions (2):

Ambry Genetics
Classification: Uncertain significance for Inborn genetic diseases. Last evaluated: 2023-07-12. Review status: criteria provided, single submitter. Criteria: Ambry Variant Classification Scheme 2023. Collection method: clinical testing. Allele origin: germline.

Labcorp Genetics (formerly Invitae), Labcorp
Classification: Uncertain significance. Last evaluated: 2021-11-30. Review status: criteria provided, single submitter. Criteria: Invitae Variant Classification Sherloc (09022015). Collection method: clinical testing. Allele origin: germline.
Comment: This sequence change replaces isoleucine, which is neutral and non-polar, with threonine, which is neutral and polar, at codon 172 of the C8B protein (p.Ile172Thr). This variant is present in population databases (rs200647490, gnomAD 0.02%). This variant has not been reported in the literature in individuals affected with C8B-related conditions. Algorithms developed to predict the effect of missense changes on protein structure and function output the following: SIFT: "Tolerated"; PolyPhen-2: "Benign"; Align-GVGD: "Class C0". The threonine amino acid residue is found in multiple mammalian species, which suggests that this missense change does not adversely affect protein function. In summary, the available evidence is currently insufficient to determine the role of this variant in disease. Therefore, it has been classified as a Variant of Uncertain Significance.